The following is an entry in ClinVar:

ClinVar aggregate classification (germline): Uncertain significance. Review status: criteria provided, multiple submitters, no conflicts (2 of 4 stars). 2 submissions from 2 submitters: Uncertain significance (2). Last evaluated 2026-09-29.

Submissions (3):

GeneDx
Classification: Uncertain significance. Last evaluated: 2026-09-29. Review status: criteria provided, single submitter. Criteria: GeneDx Variant Classification Process June 2021. Collection method: clinical testing. Allele origin: germline.
Comment: Not observed at significant frequency in large population cohorts (gnomAD); In silico analysis suggests that this missense variant does not alter protein structure/function; In silico analysis suggests this variant may impact gene splicing. In the absence of RNA/functional studies, the actual effect of this sequence change is unknown.; Has not been previously published as pathogenic or benign to our knowledge

Labcorp Genetics (formerly Invitae), Labcorp
Classification: Uncertain significance. Last evaluated: 2019-11-04. Review status: criteria provided, single submitter. Criteria: Invitae Variant Classification Sherloc (09022015). Collection method: clinical testing. Allele origin: germline.
Comment: This sequence change replaces serine with glycine at codon 1432 of the NEXMIF protein (p.Ser1432Gly). The serine residue is moderately conserved and there is a small physicochemical difference between serine and glycine. This variant is not present in population databases (ExAC no frequency). This variant has not been reported in the literature in individuals with NEXMIF-related conditions. Algorithms developed to predict the effect of missense changes on protein structure and function (SIFT, PolyPhen-2, Align-GVGD) all suggest that this variant is likely to be tolerated, but these predictions have not been confirmed by published functional studies and their clinical significance is uncertain. In summary, the available evidence is currently insufficient to determine the role of this variant in disease. Therefore, it has been classified as a Variant of Uncertain Significance.

Dr. Peter K. Rogan Lab, Western University
No classification provided (evidence only). Condition: Thyroid cancer, nonmedullary, 1. Review status: no classification provided. Collection method: in vitro. Allele origin: not applicable. Functional consequence: retained intron. Not counted in ClinVar's aggregate classification.

NM_001008537.3(NEXMIF):c.4294A>G (p.Ser1432Gly)

Gene: NEXMIF (neurite extension and migration factor; minus strand). Cytogenetic location: Xq13.3.
Variant type: single nucleotide variant.
Coding change: c.4294A>G on transcript NM_001008537.3 (MANE Select); coding-DNA position 4294, A replaced by G.
Protein change: p.Ser1432Gly; replaces serine 1432 with glycine.
Molecular consequence: missense variant.
Genome position (GRCh38, 1-based): chrX:74,740,263, T>C on the plus strand (A>G on the coding strand, the complement: NEXMIF is on the minus strand). VCF-style: chrX-74740263-T-C. GRCh37 (hg19) VCF-style: chrX-73960098-T-C.
Other names: short protein forms S1432G.
Identifiers: ClinVar variation 966881 (VCV000966881.14), dbSNP rs764248445, ClinGen allele CA413663602.